The following is an entry in ClinVar:

NM_003560.4(PLA2G6):c.2277-2A>C

Gene: PLA2G6 (phospholipase A2 group VI; minus strand). Cytogenetic location: 22q13.1.
Variant type: single nucleotide variant.
Coding change: c.2277-2A>C on transcript NM_003560.4 (MANE Select); the canonical splice acceptor site of the intron before coding-DNA position 2277, A replaced by C.
Molecular consequence: splice acceptor variant.
Genome position (GRCh38, 1-based): chr22:38,112,307, T>G on the plus strand (A>C on the coding strand, the complement: PLA2G6 is on the minus strand). VCF-style: chr22-38112307-T-G. GRCh37 (hg19) VCF-style: chr22-38508314-T-G.
Other names: c.1599-2A>C (NM_001349868.2); c.2115-2A>C (NM_001349866.2, NM_001199562.3, NM_001349865.2 and 1 more transcripts); c.1581-2A>C (NM_001349869.2); c.1743-2A>C (NM_001349867.2); c.2277-2A>C (NM_001349864.2).
Identifiers: ClinVar variation 504363 (VCV000504363.8), dbSNP rs552606315, ClinGen allele CA10230544.

ClinVar aggregate classification (germline): Conflicting classifications of pathogenicity. Review status: criteria provided, conflicting classifications (1 of 4 stars). 3 submissions from 3 submitters: Likely pathogenic (1); Uncertain significance (2). Last evaluated 2023-01-24.

Conditions:
Infantile neuroaxonal dystrophy (NBIA2A). Also called: NEURODEGENERATION WITH BRAIN IRON ACCUMULATION 2A; Infantile neuroaxonal dystrophy 1; SEITELBERGER DISEASE. Identifiers: Orphanet 35069, MedGen C0270724, MONDO:0024457, OMIM 256600.
PLA2G6-associated neurodegeneration (PLAN). Also called: phospholipase A2-associated neurodegeneration. Identifiers: Orphanet 329303, MedGen CN204472, MONDO:0017998.

Allele frequency attached by ClinVar (database versions not stated): gnomAD 0.00001; 1000 Genomes Project 30x 0.00031; ExAC 0.00001; 1000 Genomes Project 0.00020; gnomAD exomes below 0.00001; TOPMed 0.00001.
gnomAD v4.1: 1 of 1,613,270 alleles (0.000062%); highest among the groups gnomAD compares: Admixed American, 0.0017%; no homozygotes.

Submissions (3):

Broad Center for Mendelian Genomics, Broad Institute of MIT and Harvard
Classification: Uncertain significance for PLA2G6-associated neurodegeneration. Last evaluated: 2023-01-24. Review status: criteria provided, single submitter. Criteria: ACMG Guidelines, 2015. Collection method: curation. Allele origin: germline. Inheritance: Autosomal recessive inheritance.
Comment: The c.2277-2A>C variant in PLA2G6 has not been previously reported in the literature in individuals with PLA2G6-associated neurodegeneration but has been identified in 0.003% (1/34446) of Latino/Admixed American chromosomes by the Genome Aggregation Database (gnomAD; dbSNP ID: rs552606315). Although this variant has been seen in the general population in a heterozygous state, its frequency is low enough to be consistent with a recessive carrier frequency. This variant has also been reported in ClinVar (Variation ID#: 504363) and has been interpreted as likely pathogenic by GeneDx and as a variant of uncertain significance by Invitae. This variant is located in the 5' splice region. Computational tools predict a splicing impact, though this information is not predictive enough to determine pathogenicity. This variant is adjacent to the last exon and is more likely to escape nonsense mediated decay (NMD) and result in a truncated protein. Loss of function of the PLA2G6 gene is an established disease mechanism in PLA2G6-associated neurodegeneration. In summary, the clinical significance of the c.2277-2A>C variant is uncertain. ACMG/AMP Criteria applied: PVS1_moderate, PM2_supporting (Richards 2015).

Labcorp Genetics (formerly Invitae), Labcorp
Classification: Uncertain significance for Infantile neuroaxonal dystrophy. Last evaluated: 2022-07-05. Review status: criteria provided, single submitter. Criteria: Invitae Variant Classification Sherloc (09022015). Collection method: clinical testing. Allele origin: germline.
Comment: This sequence change affects an acceptor splice site in intron 16 of the PLA2G6 gene. While this variant is not anticipated to result in nonsense mediated decay, it likely alters RNA splicing and results in a disrupted protein product. This variant is present in population databases (rs552606315, gnomAD 0.003%). Disruption of this splice site has been observed in individuals with clinical features of PLA2G6-related conditions (PMID: 25348461; Invitae). ClinVar contains an entry for this variant (Variation ID: 504363). Variants that disrupt the consensus splice site are a relatively common cause of aberrant splicing (PMID: 17576681, 9536098). Algorithms developed to predict the effect of sequence changes on RNA splicing suggest that this variant may disrupt the consensus splice site. In summary, the available evidence is currently insufficient to determine the role of this variant in disease. Therefore, it has been classified as a Variant of Uncertain Significance.

GeneDx
Classification: Likely pathogenic. Last evaluated: 2018-11-02. Review status: criteria provided, single submitter. Criteria: GeneDx Variant Classification (06012015). Collection method: clinical testing. Allele origin: germline. Affected: yes.
Comment: A variant that is likely pathogenic has been identified in the PLA2G6 gene. The c.2277-2A>C variant has not been published as a pathogenic variant, nor has it been reported as a benign variant to our knowledge. This splice site variant destroys the canonical splice acceptor site in intron 16. It is predicted to cause abnormal gene splicing, either leading to an abnormal message that is subject to nonsense-mediated mRNA decay, or to an abnormal protein product if the message is used for protein translation. Furthermore, the c.2277-2A>C variant is not observed at a significant frequency in large population cohorts (Lek et al., 2016). Therefore, this variant is likely pathogenic; however, the possibility that it is benign cannot be excluded.

Literature cited by the submitters: PubMed 25348461 (cited by Labcorp Genetics (formerly Invitae), Labcorp); PubMed 17576681 (cited by Labcorp Genetics (formerly Invitae), Labcorp); PubMed 9536098 (cited by Labcorp Genetics (formerly Invitae), Labcorp).